The following is an entry in ClinVar:

NM_000334.4(SCN4A):c.4117G>C (p.Glu1373Gln)

Genes: GH-LCR (growth hormone locus control region; plus strand), SCN4A (sodium voltage-gated channel alpha subunit 4; minus strand). Cytogenetic location: 17q23.3.
Variant type: single nucleotide variant.
Coding change: c.4117G>C on transcript NM_000334.4 (MANE Select); coding-DNA position 4117, G replaced by C.
Protein change: p.Glu1373Gln; replaces glutamic acid 1373 with glutamine.
Molecular consequence: missense variant.
Genome position (GRCh38, 1-based): chr17:63,942,997, C>G on the plus strand (G>C on the coding strand, the complement: SCN4A is on the minus strand). VCF-style: chr17-63942997-C-G. GRCh37 (hg19) VCF-style: chr17-62020357-C-G.
Other names: short protein forms E1373Q.
Identifiers: ClinVar variation 1400103 (VCV001400103.9), dbSNP rs1555601036, ClinGen allele CA400616698.

ClinVar aggregate classification (germline): Uncertain significance. Review status: criteria provided, multiple submitters, no conflicts (2 of 4 stars). 2 submissions from 2 submitters: Uncertain significance (2). Last evaluated 2024-02-01.

Conditions:
Congenital myotonia, autosomal dominant form (THD). Also called: THOMSEN DISEASE; Myotonia congenita autosomal dominant. Identifiers: Orphanet 614, MedGen C2936781, MONDO:0008055, OMIM 160800.
Hyperkalemic periodic paralysis. Also called: Familial hyperkalemic periodic paralysis; Gamstorp disease. Identifiers: Orphanet 682, MedGen C0238357, MONDO:0008224, OMIM 170500, HP:0007215.

Submissions (2):

Neuberg Centre For Genomic Medicine, NCGM
Classification: Uncertain significance for Congenital myotonia, autosomal dominant form. Last evaluated: 2024-02-01. Review status: criteria provided, single submitter. Criteria: ACMG Guidelines, 2015. Collection method: clinical testing. Allele origin: germline. Inheritance: Autosomal dominant inheritance.
Comment: The missense variant has not been reported previously as a pathogenic variant nor as a benign variant, to our knowledge. Experimental studies have shown that this missense change affects SCN4A function (Pless SA et. al., 2014).

Labcorp Genetics (formerly Invitae), Labcorp
Classification: Uncertain significance for Hyperkalemic periodic paralysis. Last evaluated: 2022-03-23. Review status: criteria provided, single submitter. Criteria: Invitae Variant Classification Sherloc (09022015). Collection method: clinical testing. Allele origin: germline.
Comment: This sequence change replaces glutamic acid, which is acidic and polar, with glutamine, which is neutral and polar, at codon 1373 of the SCN4A protein (p.Glu1373Gln). This variant is not present in population databases (gnomAD no frequency). This variant has not been reported in the literature in individuals affected with SCN4A-related conditions. Algorithms developed to predict the effect of missense changes on protein structure and function (SIFT, PolyPhen-2, Align-GVGD) all suggest that this variant is likely to be disruptive. Experimental studies have shown that this missense change affects SCN4A function (PMID: 24778431). In summary, the available evidence is currently insufficient to determine the role of this variant in disease. Therefore, it has been classified as a Variant of Uncertain Significance.

Literature cited by the submitters: PubMed 24778431 (cited by Labcorp Genetics (formerly Invitae), Labcorp).